The following is an entry in ClinVar:

NM_019844.4(SLCO1B3):c.143T>C (p.Met48Thr)

Genes: SLCO1B3 (solute carrier organic anion transporter family member 1B3; plus strand), SLCO1B3-SLCO1B7 (SLCO1B3-SLCO1B7 readthrough; plus strand). Cytogenetic location: 12p12.2.
Variant type: single nucleotide variant.
Coding change: c.143T>C on transcript NM_019844.4 (MANE Select); coding-DNA position 143, T replaced by C.
Protein change: p.Met48Thr; replaces methionine 48 with threonine.
Molecular consequence: missense variant.
Genome position (GRCh38, 1-based): chr12:20,855,086, T>C. VCF-style: chr12-20855086-T-C. GRCh37 (hg19) VCF-style: chr12-21008020-T-C.
Other names: c.143T>C, p.Met48Thr (NM_001371097.1); c.59T>C, p.Met20Thr (NM_001349920.2); short protein forms M20T, M48T.
Identifiers: ClinVar variation 2634724 (VCV002634724.1), dbSNP rs774202726, ClinGen allele CA6475074.

ClinVar aggregate classification (germline): Uncertain significance (1 of 4 stars; one submission).

Conditions:
SLCO1B3-related disorder. Also called: SLCO1B3-related condition.

Allele frequency attached by ClinVar (database versions not stated): TOPMed 0.00002; ExAC 0.00003.
gnomAD v4.1: 32 of 1,612,050 alleles (0.002%); highest among the groups gnomAD compares: Non-Finnish European, 0.0025%; no homozygotes.

Submission:

PreventionGenetics, part of Exact Sciences
Classification: Uncertain significance for SLCO1B3-related condition. Last evaluated: 2022-11-21. Review status: criteria provided, single submitter. Criteria: ACMG Guidelines, 2015. Collection method: clinical testing. Allele origin: germline.
Comment: The SLCO1B3 c.143T>C variant is predicted to result in the amino acid substitution p.Met48Thr. To our knowledge, this variant has not been reported in the literature. This variant is reported in 0.0026% of alleles in individuals of European (Non-Finnish) descent in gnomAD. At this time, the clinical significance of this variant is uncertain due to the absence of conclusive functional and genetic evidence.